The following is an entry in ClinVar:

ClinVar aggregate classification (germline): Likely benign (0 of 4 stars; one submission).

Conditions:
EFCAB5-related disorder. Also called: EFCAB5-related condition.

Allele frequency attached by ClinVar (database versions not stated): 1000 Genomes Project 30x 0.00078; 1000 Genomes Project 0.00080; TOPMed 0.00174; gnomAD 0.00208; ExAC 0.00270; ESP Exome Variant Server 0.00299; gnomAD exomes 0.00321.
gnomAD v4.1: 4,934 of 1,610,952 alleles (0.31%); highest among the groups gnomAD compares: Non-Finnish European, 0.38%; 13 homozygotes.

Submission:

PreventionGenetics, part of Exact Sciences
Classification: Likely benign for EFCAB5-related condition. Last evaluated: 2023-05-02. Review status: no assertion criteria provided. Collection method: clinical testing. Allele origin: germline.
Comment: This variant is classified as likely benign based on ACMG/AMP sequence variant interpretation guidelines (Richards et al. 2015 PMID: 25741868, with internal and published modifications).

NM_198529.4(EFCAB5):c.3161T>C (p.Leu1054Pro)

Gene: EFCAB5 (EF-hand calcium binding domain 5; plus strand). Cytogenetic location: 17q11.2.
Variant type: single nucleotide variant.
Coding change: c.3161T>C on transcript NM_198529.4 (MANE Select); coding-DNA position 3161, T replaced by C.
Protein change: p.Leu1054Pro; replaces leucine 1054 with proline.
Molecular consequence: missense variant.
Genome position (GRCh38, 1-based): chr17:30,080,205, T>C. VCF-style: chr17-30080205-T-C. GRCh37 (hg19) VCF-style: chr17-28407223-T-C.
Other names: short protein forms L1054P.
Identifiers: ClinVar variation 3042951 (VCV003042951.2), dbSNP rs200371847, ClinGen allele CA8479200.
Genomic context (GRCh38, chr17:30,080,205, plus strand): 5'-AGAAAGGGAATGTTCTATTGAGGAATGTGGCTTGTACCTTAGATGATGCTCAATTTGTAC[T>C]GAACAGAGTGCTCTACAGGGACATGAAAGGAATCAGGTAAGAACTTCTTGAAGAGATTGG-3'
Protein context (NP_940931.3, residues 1044-1064): ACTLDDAQFV[Leu1054Pro]NRVLYRDMKG